The following is an entry in ClinVar:

ClinVar aggregate classification (germline): Pathogenic/Likely pathogenic. Review status: criteria provided, multiple submitters, no conflicts (2 of 4 stars). 4 submissions from 4 submitters: Pathogenic (3); Likely pathogenic (1). Last evaluated 2026-10-18.

Conditions:
Spondyloepimetaphyseal dysplasia, Genevieve type. Also called: SEMD Genevieve type; NANS DEFICIENCY. Identifiers: Orphanet 168454, MedGen C1864872, MONDO:0012495, OMIM 610442.
NANS-related disorders.

Allele frequency attached by ClinVar (database versions not stated): gnomAD exomes 0.00002; gnomAD 0.00001; ExAC 0.00001.
gnomAD v4.1: 13 of 1,614,096 alleles (0.00081%); highest among the groups gnomAD compares: Admixed American, 0.0017%; no homozygotes.

Submissions (4):

GeneDx
Classification: Pathogenic. Last evaluated: 2026-10-18. Review status: criteria provided, single submitter. Criteria: GeneDx Variant Classification Process June 2021. Collection method: clinical testing. Allele origin: germline.
Comment: Nonsense variant predicted to result in protein truncation or nonsense mediated decay in a gene for which loss of function is a known mechanism of disease; Not observed at significant frequency in large population cohorts (gnomAD); Has not been previously published as pathogenic or benign to our knowledge

Labcorp Genetics (formerly Invitae), Labcorp
Classification: Pathogenic. Last evaluated: 2024-11-13. Review status: criteria provided, single submitter. Criteria: Invitae Variant Classification Sherloc (09022015). Collection method: clinical testing. Allele origin: germline.
Comment: This sequence change creates a premature translational stop signal (p.Glu258*) in the NANS gene. It is expected to result in an absent or disrupted protein product. Loss-of-function variants in NANS are known to be pathogenic (PMID: 27213289). This variant is present in population databases (rs200709126, gnomAD 0.002%). This variant has not been reported in the literature in individuals affected with NANS-related conditions. ClinVar contains an entry for this variant (Variation ID: 2507214). For these reasons, this variant has been classified as Pathogenic.

Blueprint Genetics
Classification: Likely pathogenic for NANS-related disorders. Last evaluated: 2024-10-10. Review status: criteria provided, single submitter. Criteria: ACMG Guidelines, 2015. Collection method: clinical testing. Allele origin: germline. Affected: yes. Observed: 5 variant alleles.

Women's Health and Genetics/Laboratory Corporation of America, LabCorp
Classification: Pathogenic for Spondyloepimetaphyseal dysplasia, Genevieve type. Last evaluated: 2023-12-07. Review status: criteria provided, single submitter. Criteria: LabCorp Variant Classification Summary - May 2015. Collection method: clinical testing. Allele origin: germline.
Comment: Variant summary: NANS c.772G>T (p.Glu258X) located in the penultimate exon 5 at a location upstream of the nonsense mediated decay (NMD) cutoff region, results in a premature termination codon, predicted to cause a truncation of the encoded protein or absence of the protein due to nonsense mediated decay, which are commonly known mechanisms for disease. The variant allele was found at a frequency of 8e-06 in 251416 control chromosomes. To our knowledge, no occurrence of c.772G>T in individuals affected with Spondyloepimetaphyseal Dysplasia, Genevieve Type and no experimental evidence demonstrating its impact on protein function have been reported. Based on the established association of loss of function variants in NANS with disease and the evidence outlined above, the variant was classified as pathogenic.

Literature cited by the submitters: PubMed 27213289 (cited by Labcorp Genetics (formerly Invitae), Labcorp).

NM_018946.4(NANS):c.772G>T (p.Glu258Ter)

Genes: NANS (N-acetylneuraminate synthase; plus strand), TRIM14 (tripartite motif containing 14; minus strand). Cytogenetic location: 9q22.33.
Variant type: single nucleotide variant.
Coding change: c.772G>T on transcript NM_018946.4 (MANE Select); coding-DNA position 772, G replaced by T.
Protein change: p.Glu258Ter; replaces glutamic acid 258 with a stop codon.
Molecular consequence: nonsense.
Genome position (GRCh38, 1-based): chr9:98,080,984, G>T. VCF-style: chr9-98080984-G-T. GRCh37 (hg19) VCF-style: chr9-100843266-G-T.
Other names: short protein forms E258*.
Identifiers: ClinVar variation 2507214 (VCV002507214.7), dbSNP rs200709126, ClinGen allele CA5150380.